The following is an entry in ClinVar:

NM_000038.6(APC):c.8106A>G (p.Ala2702=)

Gene: APC (APC regulator of Wnt signaling pathway; plus strand). Cytogenetic location: 5q22.2.
Variant type: single nucleotide variant.
Coding change: c.8106A>G on transcript NM_000038.6 (MANE Select); coding-DNA position 8106, A replaced by G.
Protein change: p.Ala2702=; no amino-acid change (alanine 2702 retained).
Molecular consequence: synonymous variant.
Genome position (GRCh38, 1-based): chr5:112,843,700, A>G. VCF-style: chr5-112843700-A-G. GRCh37 (hg19) VCF-style: chr5-112179397-A-G.
Other names: c.8106A>G, p.Ala2702= (NM_001127510.3, NM_001354895.2); c.8052A>G, p.Ala2684= (NM_001127511.3); c.8160A>G, p.Ala2720= (NM_001354896.2); c.8136A>G, p.Ala2712= (NM_001354897.2); c.8031A>G, p.Ala2677= (NM_001354898.2); c.8022A>G, p.Ala2674= (NM_001354899.2); c.7983A>G, p.Ala2661= (NM_001354900.2); c.7929A>G, p.Ala2643= (NM_001354901.2); and 5 more.
Identifiers: ClinVar variation 482369 (VCV000482369.18), dbSNP rs1554088899, ClinGen allele CA446211156.

ClinVar aggregate classification (germline): Benign/Likely benign. Review status: criteria provided, multiple submitters, no conflicts (2 of 4 stars). 4 submissions from 4 submitters: Benign (1); Likely benign (3). Last evaluated 2024-04-12.

Conditions:
Hereditary cancer-predisposing syndrome. Also called: Neoplastic Syndromes, Hereditary; Tumor predisposition; Hereditary Cancer Syndrome; Hereditary neoplastic syndrome. Identifiers: Orphanet 140162, MedGen C0027672, MeSH D009386, MONDO:0015356.
Familial adenomatous polyposis 1 (FAP1). Also called: FAMILIAL ADENOMATOUS POLYPOSIS 1, ATTENUATED; POLYPOSIS, ADENOMATOUS INTESTINAL. Identifiers: MedGen C2713442, MONDO:0021056, OMIM 175100. Disease mechanism: loss of function.

gnomAD v4.1: 2 of 1,614,100 alleles (0.00012%); highest among the groups gnomAD compares: South Asian, 0.0011%; no homozygotes.

Submissions (4):

Myriad Genetics, Inc.
Classification: Benign for Familial adenomatous polyposis 1. Last evaluated: 2024-04-12. Review status: criteria provided, single submitter. Criteria: Myriad Autosomal Dominant, Autosomal Recessive and X-Linked Classification Criteria (2023). Collection method: clinical testing. Allele origin: unknown.
Comment: This variant is considered benign. This variant is a silent/synonymous amino acid change and it is not expected to impact splicing.

Color Diagnostics, LLC DBA Color Health
Classification: Likely benign for Hereditary cancer-predisposing syndrome. Last evaluated: 2022-05-24. Review status: criteria provided, single submitter. Criteria: ACMG Guidelines, 2015. Collection method: clinical testing. Allele origin: germline.

Labcorp Genetics (formerly Invitae), Labcorp
Classification: Likely benign for Familial adenomatous polyposis 1. Last evaluated: 2020-04-07. Review status: criteria provided, single submitter. Criteria: Invitae Variant Classification Sherloc (09022015). Collection method: clinical testing. Allele origin: germline.

Ambry Genetics
Classification: Likely benign for Hereditary cancer-predisposing syndrome. Last evaluated: 2016-06-07. Review status: criteria provided, single submitter. Criteria: Ambry Variant Classification Scheme 2023. Collection method: clinical testing. Allele origin: germline.